The following is an entry in ClinVar:

NM_001256789.3(CACNA1F):c.3237-10G>A

Gene: CACNA1F (calcium voltage-gated channel subunit alpha1 F; minus strand). Cytogenetic location: Xp11.23.
Variant type: single nucleotide variant.
Coding change: c.3237-10G>A on transcript NM_001256789.3 (MANE Select); 10 bases into the intron before coding-DNA position 3237, G replaced by A.
Molecular consequence: intron variant.
Genome position (GRCh38, 1-based): chrX:49,215,553, C>T on the plus strand (G>A on the coding strand, the complement: CACNA1F is on the minus strand). VCF-style: chrX-49215553-C-T. GRCh37 (hg19) VCF-style: chrX-49072013-C-T.
Other names: c.3270-10G>A (NM_005183.4, NM_005183.3); c.3075-10G>A (NM_001256790.3).
Identifiers: ClinVar variation 1113651 (VCV001113651.12), dbSNP rs371955079, ClinGen allele CA10410486.
Genomic context (GRCh38, chrX:49,215,553, plus strand): 5'-TAGATGGGGCCGTGGTCCTCTGCATATGCATCGATGGCCTTGTATAGCAGTCTGTGGGAG[C>T]CAGAGGGGGGGTAGAGGTGGGGGCAGGTGAGGGGATATCCCAGCCCCCTCAGACCTGCCC-3'

ClinVar aggregate classification (germline): Likely benign. Review status: criteria provided, multiple submitters, no conflicts (2 of 4 stars). 3 submissions from 3 submitters: Likely benign (2). 1 of the submissions does not count toward it. Last evaluated 2025-03-18.

Conditions:
CACNA1F-related disorder. Also called: CACNA1F-related condition.

Allele frequency attached by ClinVar (database versions not stated): gnomAD 0.00005; TOPMed 0.00005; gnomAD exomes 0.00011; ExAC 0.00014; ESP Exome Variant Server 0.00019.
gnomAD v4.1: 163 of 1,137,412 alleles (0.014%); highest among the groups gnomAD compares: Non-Finnish European, 0.019%; no homozygotes.

Submissions (3):

Labcorp Genetics (formerly Invitae), Labcorp
Classification: Likely benign. Last evaluated: 2025-03-18. Review status: criteria provided, single submitter. Criteria: Invitae Variant Classification Sherloc (09022015). Collection method: clinical testing. Allele origin: germline.

Blueprint Genetics
Classification: Likely benign. Last evaluated: 2022-09-05. Review status: criteria provided, single submitter. Criteria: ACMG Guidelines, 2015. Collection method: clinical testing. Allele origin: germline.

PreventionGenetics, part of Exact Sciences
Classification: Likely benign for CACNA1F-related condition. Last evaluated: 2019-08-08. Review status: no assertion criteria provided. Collection method: clinical testing. Allele origin: germline. Not counted in ClinVar's aggregate classification.
Comment: This variant is classified as likely benign based on ACMG/AMP sequence variant interpretation guidelines (Richards et al. 2015 PMID: 25741868, with internal and published modifications).